The following is an entry in ClinVar:

ClinVar aggregate classification (germline): Uncertain significance. Review status: criteria provided, multiple submitters, no conflicts (2 of 4 stars). 2 submissions from 2 submitters: Uncertain significance (2). Last evaluated 2025-07-27.

Conditions:
Arrhythmogenic cardiomyopathy with wooly hair and keratoderma. Also called: PALMOPLANTAR KERATODERMA WITH LEFT VENTRICULAR CARDIOMYOPATHY AND WOOLLY HAIR; Carvajal syndrome; Dilated cardiomyopathy with woolly hair and keratoderma; Arrhythmogenic cardiomyopathy with woolly hair and keratoderma. Identifiers: Orphanet 65282, MedGen C1854063, MONDO:0011581, OMIM 605676.
Arrhythmogenic right ventricular dysplasia 8 (ARVD8). Also called: ARRHYTHMOGENIC RIGHT VENTRICULAR DYSPLASIA, FAMILIAL, 8; ARRHYTHMOGENIC RIGHT VENTRICULAR CARDIOMYOPATHY 8; Arrhythmogenic Right Ventricular Dysplasia/Cardiomyopathy 8. Identifiers: MedGen C1843896, MONDO:0011831, OMIM 607450.

Submissions (2):

Labcorp Genetics (formerly Invitae), Labcorp
Classification: Uncertain significance for Arrhythmogenic cardiomyopathy with wooly hair and keratoderma; Arrhythmogenic right ventricular dysplasia 8. Last evaluated: 2025-07-27. Review status: criteria provided, single submitter. Criteria: Invitae Variant Classification Sherloc (09022015). Collection method: clinical testing. Allele origin: germline.
Comment: This sequence change falls in intron 5 of the DSP gene. It does not directly change the encoded amino acid sequence of the DSP protein. This variant is not present in population databases (gnomAD no frequency). This variant has not been reported in the literature in individuals affected with DSP-related conditions. ClinVar contains an entry for this variant (Variation ID: 3070870). Algorithms developed to predict the effect of sequence changes on RNA splicing suggest that this variant may disrupt the consensus splice site. In summary, the available evidence is currently insufficient to determine the role of this variant in disease. Therefore, it has been classified as a Variant of Uncertain Significance.

All of Us Research Program, National Institutes of Health
Classification: Uncertain significance for Arrhythmogenic cardiomyopathy with wooly hair and keratoderma. Last evaluated: 2023-05-04. Review status: criteria provided, single submitter. Criteria: ACMG Guidelines, 2015. Collection method: clinical testing. Allele origin: germline. Inheritance: Autosomal dominant inheritance. Observed: 1 variant allele, 1 heterozygote.
Comment: This variant causes a T to A nucleotide substitution at the -13 position of intron 5 of the DSP gene. Splice site prediction tools predict that this variant may have a significant impact on RNA splicing. To our knowledge, functional studies have not been reported for this variant. This variant has not been reported in individuals affected with DSP-related disorders in the literature. This variant has not been identified in the general population by the Genome Aggregation Database (gnomAD). The available evidence is insufficient to determine the role of this variant in disease conclusively. Therefore, this variant is classified as a Variant of Uncertain Significance.

This study involves interpretation of variants in research participants for the purpose of population health screening. Participant phenotype was not available at the time of variant classification. Additional details can be found in publication PMID: 35346344, PMCID: PMC8962531

NM_004415.4(DSP):c.727-13T>A

Gene: DSP (desmoplakin; plus strand). Cytogenetic location: 6p24.3.
Variant type: single nucleotide variant.
Coding change: c.727-13T>A on transcript NM_004415.4 (MANE Select); 13 bases into the intron before coding-DNA position 727, T replaced by A.
Molecular consequence: intron variant.
Genome position (GRCh38, 1-based): chr6:7,563,723, T>A. VCF-style: chr6-7563723-T-A. GRCh37 (hg19) VCF-style: chr6-7563956-T-A.
Other names: c.727-13T>A (NM_001319034.2, NM_001008844.3, NM_001406591.1).
Identifiers: ClinVar variation 3070870 (VCV003070870.2), dbSNP rs1293172796, ClinGen allele CA2825001476.
Genomic context (GRCh38, chr6:7,563,723, plus strand): 5'-GCTTAGAAGGGCCACTCTTTTCTATACAATCCACAAGGGGATTTATATCTACCTGCTTTT[T>A]GTTGTCTTCTAGCGCGAGAAATCTGCGATCTACCAGTTGGAGGAGGAGTATGAAAACCTG-3'